The following is an entry in ClinVar:

Single allele

Variant type: Variation.
Identifiers: ClinVar variation 65942 (VCV000065942.2).

ClinVar aggregate classification (germline): Pathogenic (0 of 4 stars; one submission).

Conditions:
Central core myopathy (CMYO1A). Also called: Central core disease; Myopathy, central fibrillar; CONGENITAL MYOPATHY 1A, AUTOSOMAL DOMINANT, WITH SUSCEPTIBILITY TO MALIGNANT HYPERTHERMIA. Identifiers: Orphanet 597, MedGen C5830701, MONDO:0007294, OMIM 117000.

Submission:

GeneReviews
Classification: Pathogenic for Central Core Disease. Last evaluated: 2010-05-11. Review status: no assertion criteria provided. Collection method: curation. Allele origin: unknown.
ClinVar note: Converted during submission from pathologic to Pathogenic.